The following is an entry in ClinVar:

NM_002016.2(FLG):c.4369C>A (p.Gln1457Lys)

Genes: CCDST (cervical cancer associated DHX9 suppressive transcript; plus strand), FLG (filaggrin; minus strand). Cytogenetic location: 1q21.3.
Variant type: single nucleotide variant.
Coding change: c.4369C>A on transcript NM_002016.2 (MANE Select); coding-DNA position 4369, C replaced by A.
Protein change: p.Gln1457Lys; replaces glutamine 1457 with lysine.
Molecular consequence: missense variant.
Genome position (GRCh38, 1-based): chr1:152,310,517, G>T on the plus strand (C>A on the coding strand, the complement: FLG is on the minus strand). VCF-style: chr1-152310517-G-T. GRCh37 (hg19) VCF-style: chr1-152282993-G-T.
Other names: short protein forms Q1457K.
Identifiers: ClinVar variation 2639289 (VCV002639289.24), dbSNP rs951162985, ClinGen allele CA342074969.

ClinVar aggregate classification (germline): Uncertain significance (1 of 4 stars; one submission).

Submission:

CeGaT Center for Human Genetics Tuebingen
Classification: Uncertain significance. Last evaluated: 2022-08-01. Review status: criteria provided, single submitter. Criteria: CeGaT Center For Human Genetics Tuebingen Variant Classification Criteria Version 2. Collection method: clinical testing. Allele origin: germline. Affected: yes. Observed: 1 variant allele.
Comment: FLG: PM2, BP4